The following is an entry in ClinVar:

NM_000138.5(FBN1):c.2687G>A (p.Cys896Tyr)

Gene: FBN1 (fibrillin 1; minus strand). Cytogenetic location: 15q21.1.
Variant type: single nucleotide variant.
Coding change: c.2687G>A on transcript NM_000138.5 (MANE Select); coding-DNA position 2687, G replaced by A.
Protein change: p.Cys896Tyr; replaces cysteine 896 with tyrosine.
Molecular consequence: missense variant.
Genome position (GRCh38, 1-based): chr15:48,494,245, C>T on the plus strand (G>A on the coding strand, the complement: FBN1 is on the minus strand). VCF-style: chr15-48494245-C-T. GRCh37 (hg19) VCF-style: chr15-48786442-C-T.
Other names: short protein forms C896Y.
Identifiers: ClinVar variation 1451245 (VCV001451245.8), dbSNP rs2141302442, ClinGen allele CA392331712.

ClinVar aggregate classification (germline): Pathogenic (1 of 4 stars; one submission).

Conditions:
Marfan syndrome (MFS). Also called: MARFAN SYNDROME, TYPE I; Marfan syndrome type 1; Marfan's syndrome; Marfan syndrome, classic; FBN1-Related Marfan Syndrome. Identifiers: Orphanet 284963, Orphanet 558, MedGen C0024796, MONDO:0007947, OMIM 154700.
Familial thoracic aortic aneurysm and aortic dissection (TAAD). Also called: Thoracic aortic aneurysms and dissections. Identifiers: Orphanet 91387, MedGen C4707243, MONDO:0019625.

Submission:

Labcorp Genetics (formerly Invitae), Labcorp
Classification: Pathogenic for Marfan syndrome; Familial thoracic aortic aneurysm and aortic dissection. Last evaluated: 2025-02-03. Review status: criteria provided, single submitter. Criteria: Invitae Variant Classification Sherloc (09022015). Collection method: clinical testing. Allele origin: germline.
Comment: This sequence change replaces cysteine, which is neutral and slightly polar, with tyrosine, which is neutral and polar, at codon 896 of the FBN1 protein (p.Cys896Tyr). This variant is not present in population databases (gnomAD no frequency). This missense change has been observed in individual(s) with Marfan syndrome (PMID: 19293843). ClinVar contains an entry for this variant (Variation ID: 1451245). Invitae Evidence Modeling of protein sequence and biophysical properties (such as structural, functional, and spatial information, amino acid conservation, physicochemical variation, residue mobility, and thermodynamic stability) indicates that this missense variant is expected to disrupt FBN1 protein function with a positive predictive value of 95%. This variant affects a cysteine residue in the EGF-like, TGFBP or hybrid motif domains of FBN1. Cysteine residues are believed to be involved in intramolecular disulfide bridges and have been shown to be important for FBN1 protein structure (PMID: 16905551, 19349279). In addition, missense substitutions affecting cysteine residues within these domains are significantly overrepresented among patients with Marfan syndrome (PMID: 16571647, 17701892). For these reasons, this variant has been classified as Pathogenic.

Literature cited by the submitters: PubMed 19293843; PubMed 16905551; PubMed 19349279; PubMed 16571647; PubMed 17701892.